The following is an entry in ClinVar:

NM_024422.6(DSC2):c.567G>C (p.Glu189Asp)

Gene: DSC2 (desmocollin 2; minus strand). Cytogenetic location: 18q12.1.
Variant type: single nucleotide variant.
Coding change: c.567G>C on transcript NM_024422.6 (MANE Select); coding-DNA position 567, G replaced by C.
Protein change: p.Glu189Asp; replaces glutamic acid 189 with aspartic acid.
Molecular consequence: missense variant.
Genome position (GRCh38, 1-based): chr18:31,089,502, C>G on the plus strand (G>C on the coding strand, the complement: DSC2 is on the minus strand). VCF-style: chr18-31089502-C-G. GRCh37 (hg19) VCF-style: chr18-28669465-C-G.
Other names: c.138G>C, p.Glu46Asp (NM_001406506.1, NM_001406507.1); c.567G>C, p.Glu189Asp (NM_004949.5); short protein forms E189D, E46D.
Identifiers: ClinVar variation 3655157 (VCV003655157.2).

ClinVar aggregate classification (germline): Uncertain significance (1 of 4 stars; one submission).

Conditions:
Arrhythmogenic right ventricular dysplasia 11. Also called: ARRHYTHMOGENIC RIGHT VENTRICULAR DYSPLASIA, FAMILIAL, 11; Arrhythmogenic Right Ventricular Dysplasia/Cardiomyopathy11; Arrhythmogenic right ventricular dysplasia 11 with mild palmoplantar keratoderma and woolly hair. Identifiers: MedGen C1864850, MONDO:0012506, OMIM 610476.

Submission:

Labcorp Genetics (formerly Invitae), Labcorp
Classification: Uncertain significance for Arrhythmogenic right ventricular dysplasia 11. Last evaluated: 2024-05-31. Review status: criteria provided, single submitter. Criteria: Invitae Variant Classification Sherloc (09022015). Collection method: clinical testing. Allele origin: germline.
Comment: This sequence change replaces glutamic acid, which is acidic and polar, with aspartic acid, which is acidic and polar, at codon 189 of the DSC2 protein (p.Glu189Asp). This variant is not present in population databases (gnomAD no frequency). This variant has not been reported in the literature in individuals affected with DSC2-related conditions. Advanced modeling of protein sequence and biophysical properties (such as structural, functional, and spatial information, amino acid conservation, physicochemical variation, residue mobility, and thermodynamic stability) performed at Invitae indicates that this missense variant is not expected to disrupt DSC2 protein function with a negative predictive value of 80%. In summary, the available evidence is currently insufficient to determine the role of this variant in disease. Therefore, it has been classified as a Variant of Uncertain Significance.